The following is an entry in ClinVar:

NM_000059.4(BRCA2):c.7804_7805+9del

Gene: BRCA2 (BRCA2 DNA repair associated; plus strand). Cytogenetic location: 13q13.1.
Variant type: Deletion.
Coding change: c.7804_7805+9del on transcript NM_000059.4 (MANE Select); coding-DNA position 7804 through 9 bases into the intron after coding-DNA position 7805, 11 bases deleted (AGGTACTCTAT).
Molecular consequence: splice donor variant.
Genome position (GRCh38, 1-based): chr13:32,357,928-32,357,938, AGGTACTCTAT deleted; deleting any 11 consecutive bases within chr13:32,357,925-32,357,938 gives the same sequence; the c. name uses the placement nearest the transcript's 3' end. VCF-style (leftmost placement, unchanged base first): chr13-32357924-TTATAGGTACTC-T. GRCh37 (hg19) VCF-style: chr13-32932061-TTATAGGTACTC-T.
Identifiers: ClinVar variation 1760702 (VCV001760702.2), dbSNP rs2548542808, ClinGen allele CA2580087366.

ClinVar aggregate classification (germline): Likely pathogenic (1 of 4 stars; one submission).

Conditions:
Hereditary cancer-predisposing syndrome. Also called: Neoplastic Syndromes, Hereditary; Tumor predisposition; Hereditary Cancer Syndrome; Hereditary neoplastic syndrome. Identifiers: Orphanet 140162, MedGen C0027672, MeSH D009386, MONDO:0015356.

Submission:

Ambry Genetics
Classification: Likely pathogenic for Hereditary cancer-predisposing syndrome. Last evaluated: 2020-02-28. Review status: criteria provided, single submitter. Criteria: Ambry Variant Classification Scheme 2023. Collection method: clinical testing. Allele origin: germline.
Comment: The c.7804_7805+9del11 intronic variant, which spans from coding exon 15 to intron 15 of the BRCA2 gene, results from a deletion of 11 nucleotides at positions c.7804 to c.7805+9 causing a disruption of the canonical donor splice site. This nucleotide region is not well conserved in available vertebrate species. Using the BDGP and Human Splicing Finder (HSF) splice site prediction tools, this alteration is predicted to abolish the native splice donor site; however, direct evidence is unavailable (Desmet FO et al. Nucleic Acids Res. 2009 May;37:e67). Alterations that disrupt the canonical splice site are expected to cause aberrant splicing, resulting in an abnormal protein or a transcript that is subject to nonsense-mediated mRNA decay. As such, this alteration is classified as likely pathogenic.